The following is an entry in ClinVar:

ClinVar aggregate classification (germline): Uncertain significance (1 of 4 stars; one submission).

Submission:

CeGaT Center for Human Genetics Tuebingen
Classification: Uncertain significance. Last evaluated: 2024-04-01. Review status: criteria provided, single submitter. Criteria: CeGaT Center For Human Genetics Tuebingen Variant Classification Criteria Version 2. Collection method: clinical testing. Allele origin: germline. Affected: yes. Observed: 1 variant allele.
Comment: COL11A1: PM2

NM_001854.4(COL11A1):c.4967A>T (p.Glu1656Val)

Gene: COL11A1 (collagen type XI alpha 1 chain; minus strand). Cytogenetic location: 1p21.1.
Variant type: single nucleotide variant.
Coding change: c.4967A>T on transcript NM_001854.4 (MANE Select); coding-DNA position 4967, A replaced by T.
Protein change: p.Glu1656Val; replaces glutamic acid 1656 with valine.
Molecular consequence: missense variant. On other transcripts: non-coding transcript variant (1).
Genome position (GRCh38, 1-based): chr1:102,883,203, T>A on the plus strand (A>T on the coding strand, the complement: COL11A1 is on the minus strand). VCF-style: chr1-102883203-T-A. GRCh37 (hg19) VCF-style: chr1-103348759-T-A.
Other names: c.4619A>T, p.Glu1540Val (NM_001168249.1, NM_080630.4); c.4850A>T, p.Glu1617Val (NM_001190709.2); c.5003A>T, p.Glu1668Val (NM_080629.3); short protein forms E1540V, E1617V, E1656V, E1668V.
Identifiers: ClinVar variation 3234691 (VCV003234691.20), dbSNP rs2524192347, ClinGen allele CA341211435.